The following is an entry in ClinVar:

ClinVar aggregate classification (germline): Uncertain significance. Review status: criteria provided, multiple submitters, no conflicts (2 of 4 stars). 2 submissions from 2 submitters: Uncertain significance (2). Last evaluated 2025-12-15.

Allele frequency attached by ClinVar (database versions not stated): gnomAD 0.00001; TOPMed 0.00001; ExAC 0.00002; gnomAD exomes 0.00002.

Submissions (2):

Labcorp Genetics (formerly Invitae), Labcorp
Classification: Uncertain significance. Last evaluated: 2025-12-15. Review status: criteria provided, single submitter. Criteria: Invitae Variant Classification Sherloc (09022015). Collection method: clinical testing. Allele origin: germline.
Comment: This sequence change replaces isoleucine, which is neutral and non-polar, with threonine, which is neutral and polar, at codon 48 of the DNAJB13 protein (p.Ile48Thr). This variant is present in population databases (rs761885163, gnomAD 0.004%). This variant has not been reported in the literature in individuals affected with DNAJB13-related conditions. ClinVar contains an entry for this variant (Variation ID: 1948426). Invitae Evidence Modeling of protein sequence and biophysical properties (such as structural, functional, and spatial information, amino acid conservation, physicochemical variation, residue mobility, and thermodynamic stability) indicates that this missense variant is not expected to disrupt DNAJB13 protein function with a negative predictive value of 80%. In summary, the available evidence is currently insufficient to determine the role of this variant in disease. Therefore, it has been classified as a Variant of Uncertain Significance.

Ambry Genetics
Classification: Uncertain significance. Last evaluated: 2025-10-15. Review status: criteria provided, single submitter. Criteria: Ambry Variant Classification Scheme 2023. Collection method: clinical testing. Allele origin: germline.

NM_153614.4(DNAJB13):c.143T>C (p.Ile48Thr)

Gene: DNAJB13 (DnaJ heat shock protein family (Hsp40) member B13; plus strand). Cytogenetic location: 11q13.4.
Variant type: single nucleotide variant.
Coding change: c.143T>C on transcript NM_153614.4 (MANE Select); coding-DNA position 143, T replaced by C.
Protein change: p.Ile48Thr; replaces isoleucine 48 with threonine.
Molecular consequence: missense variant. On other transcripts: 5 prime UTR variant (1).
Genome position (GRCh38, 1-based): chr11:73,958,391, T>C. VCF-style: chr11-73958391-T-C. GRCh37 (hg19) VCF-style: chr11-73669436-T-C.
Other names: c.-163T>C (NM_001377263.1); c.143T>C (NM_153614.2); short protein forms I48T.
Identifiers: ClinVar variation 1948426 (VCV001948426.5), dbSNP rs761885163, ClinGen allele CA6180610.